The following is an entry in ClinVar:

NM_006767.4(LZTR1):c.2263C>T (p.Arg755Trp)

Gene: LZTR1 (leucine zipper like post translational regulator 1; plus strand). Cytogenetic location: 22q11.21.
Variant type: single nucleotide variant.
Coding change: c.2263C>T on transcript NM_006767.4 (MANE Select); coding-DNA position 2263, C replaced by T.
Protein change: p.Arg755Trp; replaces arginine 755 with tryptophan.
Molecular consequence: missense variant.
Genome position (GRCh38, 1-based): chr22:20,996,739, C>T. VCF-style: chr22-20996739-C-T. GRCh37 (hg19) VCF-style: chr22-21351028-C-T.
Other names: short protein forms R755W.
Identifiers: ClinVar variation 928713 (VCV000928713.16), dbSNP rs141161152, ClinGen allele CA10119322.
Genomic context (GRCh38, chr22:20,996,739, plus strand): 5'-CCTTAACCAGGCCCCAGCTACTTGTTTGCGGCCCCCTACTACTACGGCTTCTACAACAAC[C>T]GGCTGCAGGCGTACTGCAAGCAGAACCTGGAGATGAACGTGACGGTGCAGAACGTGCTGC-3'
Protein context (NP_006758.2, residues 745-765): APYYYGFYNN[Arg755Trp]LQAYCKQNLE

ClinVar aggregate classification (germline): Uncertain significance. Review status: criteria provided, multiple submitters, no conflicts (2 of 4 stars). 5 submissions from 5 submitters: Uncertain significance (5). Last evaluated 2026-06-08.

Conditions:
Noonan syndrome 10 (NS10). Identifiers: Orphanet 648, MedGen C4225280, MONDO:0014693, OMIM 616564.
LZTR1-related schwannomatosis. Also called: Schwannomatosis 2; Schwannomatosis-2, susceptibility to. Identifiers: Orphanet 93921, MedGen C3810283, MONDO:0014299, OMIM 615670.
Hereditary cancer-predisposing syndrome. Also called: Tumor predisposition; Neoplastic Syndromes, Hereditary; Hereditary neoplastic syndrome; Hereditary Cancer Syndrome. Identifiers: Orphanet 140162, MedGen C0027672, MeSH D009386, MONDO:0015356.
Cardiovascular phenotype. Identifiers: MedGen CN230736.

Allele frequency attached by ClinVar (database versions not stated): gnomAD exomes 0.00001; gnomAD 0.00002; TOPMed 0.00003; ESP Exome Variant Server 0.00008.
gnomAD v4.1: 16 of 1,613,380 alleles (0.00099%); highest among the groups gnomAD compares: East Asian, 0.0045%; no homozygotes.

Submissions (5):

Women's Health and Genetics/Laboratory Corporation of America, LabCorp
Classification: Uncertain significance. Last evaluated: 2026-06-08. Review status: criteria provided, single submitter. Criteria: LabCorp Variant Classification Summary - May 2015. Collection method: clinical testing. Allele origin: germline.
Comment: Variant summary: LZTR1 c.2263C>T (p.Arg755Trp) results in a non-conservative amino acid change in the encoded protein sequence. Algorithms developed to predict the effect of missense changes on protein structure and function all suggest that this variant is likely to be disruptive. The variant allele was found at a frequency of 1.6e-05 in 251148 control chromosomes. The available data on variant occurrences in the general population are insufficient to allow any conclusion about variant significance. c.2263C>T has been reported in the literature in individuals affected with Nuchal translucency or mitral valve prolapse, without strong evidence for causality (example, Ji_2023, van Wijngaarden_2020). These report(s) do not provide unequivocal conclusions about association of the variant with disease. To our knowledge, no experimental evidence demonstrating an impact on protein function has been reported. The following publications have been ascertained in the context of this evaluation (PMID: 37600658, 24362817, 32277046). ClinVar contains an entry for this variant (Variation ID: 928713). Based on the evidence outlined above, the variant was classified as uncertain significance.

Labcorp Genetics (formerly Invitae), Labcorp
Classification: Uncertain significance. Last evaluated: 2026-01-16. Review status: criteria provided, single submitter. Criteria: Invitae Variant Classification Sherloc (09022015). Collection method: clinical testing. Allele origin: germline.
Comment: This sequence change replaces arginine, which is basic and polar, with tryptophan, which is neutral and slightly polar, at codon 755 of the LZTR1 protein (p.Arg755Trp). This variant is present in population databases (rs141161152, gnomAD 0.004%). This missense change has been observed in individual(s) with mitral valve prolapse (PMID: 32041611). ClinVar contains an entry for this variant (Variation ID: 928713). Invitae Evidence Modeling of protein sequence and biophysical properties (such as structural, functional, and spatial information, amino acid conservation, physicochemical variation, residue mobility, and thermodynamic stability) indicates that this missense variant is not expected to disrupt LZTR1 protein function with a negative predictive value of 80%. In summary, the available evidence is currently insufficient to determine the role of this variant in disease. Therefore, it has been classified as a Variant of Uncertain Significance.

Ambry Genetics
Classification: Uncertain significance for Cardiovascular phenotype; Hereditary cancer-predisposing syndrome. Last evaluated: 2025-10-09. Review status: criteria provided, single submitter. Criteria: Ambry Variant Classification Scheme 2023. Collection method: clinical testing. Allele origin: germline.
Comment: The p.R755W variant (also known as c.2263C>T), located in coding exon 19 of the LZTR1 gene, results from a C to T substitution at nucleotide position 2263. The arginine at codon 755 is replaced by tryptophan, an amino acid with dissimilar properties. This variant was reported in individual(s) with features consistent with LZTR1-related schwannomatosis (Ambry internal data). This amino acid position is highly conserved in available vertebrate species. In addition, this alteration is predicted to be deleterious by in silico analysis. Based on the available evidence, the clinical significance of this variant remains unclear.

Baylor Genetics
Classification: Uncertain significance for LZTR1-related schwannomatosis. Last evaluated: 2024-02-05. Review status: criteria provided, single submitter. Criteria: ACMG Guidelines, 2015. Collection method: clinical testing. Allele origin: unknown.

St. Jude Molecular Pathology, St. Jude Children's Research Hospital
Classification: Uncertain significance for Noonan syndrome 10. Last evaluated: 2022-09-27. Review status: criteria provided, single submitter. Criteria: St. Jude Assertion Criteria 2020. Collection method: clinical testing. Allele origin: germline.
Comment: The LZTR1 c.2263C>T (p.Arg755Trp) missense change has a maximum subpopulation frequency of 0.0080% in gnomAD v2.1.1. The in silico tool REVEL is inconclusive about a pathogenic or benign effect of this variant on protein function, and to our knowledge functional studies have not been performed. This variant has been reported in individual(s) with mitral valve prolapse (PMID: 32041611). To our knowledge, this variant has not been reported in individuals with Noonan syndrome or Schwannomatosis. In summary, the evidence currently available is insufficient to determine the clinical significance of this variant. It has therefore been classified as of uncertain significance.

Literature cited by the submitters: PubMed 24362817 (cited by Women's Health and Genetics/Laboratory Corporation of America, LabCorp); PubMed 32277046 (cited by Women's Health and Genetics/Laboratory Corporation of America, LabCorp); PubMed 37600658 (cited by Women's Health and Genetics/Laboratory Corporation of America, LabCorp); PubMed 32041611 (cited by Labcorp Genetics (formerly Invitae), Labcorp).